The following is an entry in ClinVar:

NM_015102.5(NPHP4):c.3462C>T (p.His1154=)

Gene: NPHP4 (nephrocystin 4; minus strand). Cytogenetic location: 1p36.31.
Variant type: single nucleotide variant.
Coding change: c.3462C>T on transcript NM_015102.5 (MANE Select); coding-DNA position 3462, C replaced by T.
Protein change: p.His1154=; no amino-acid change (histidine 1154 retained).
Molecular consequence: synonymous variant. On other transcripts: non-coding transcript variant (1).
Genome position (GRCh38, 1-based): chr1:5,867,750, G>A on the plus strand (C>T on the coding strand, the complement: NPHP4 is on the minus strand). VCF-style: chr1-5867750-G-A. GRCh37 (hg19) VCF-style: chr1-5927810-G-A.
Other names: c.1923C>T, p.His641= (NM_001291593.2); c.1926C>T, p.His642= (NM_001291594.2).
Identifiers: ClinVar variation 4988815 (VCV004988815.1).

ClinVar aggregate classification (germline): Likely benign (1 of 4 stars; one submission).

Conditions:
NPHP4-related disorder. Also called: NPHP4-related disorders; NPHP4-related condition. Identifiers: MedGen CN239384.

gnomAD v4.1: 17 of 1,610,136 alleles (0.0011%); highest among the groups gnomAD compares: Non-Finnish European, 0.0013%; no homozygotes.

Submission:

PreventionGenetics, part of Exact Sciences
Classification: Likely benign for NPHP4-related condition. Last evaluated: 2026-06-01. Review status: criteria provided, single submitter. Criteria: ACMG Guidelines, 2015. Collection method: clinical testing. Allele origin: germline.
Comment: This variant is classified as likely benign based on ACMG/AMP sequence variant interpretation guidelines (Richards et al. 2015 PMID: 25741868, with internal and published modifications).